The following is an entry in ClinVar:

NM_000388.4(CASR):c.2114_2122del (p.Val705_Glu707del)

Gene: CASR (calcium sensing receptor; plus strand). Cytogenetic location: 3q21.1.
Variant type: Deletion.
Coding change: c.2114_2122del on transcript NM_000388.4 (MANE Select); coding-DNA positions 2114 to 2122, 9 bases deleted (TGTTTGAGG; older notation c.2114_2122delTGTTTGAGG).
Protein change: p.Val705_Glu707del.
Molecular consequence: inframe deletion.
Genome position (GRCh38, 1-based): chr3:122,284,068-122,284,076, TGTTTGAGG deleted; deleting any 9 consecutive bases within chr3:122,284,066-122,284,076 gives the same sequence; the c. name uses the placement nearest the transcript's 3' end. VCF-style (leftmost placement, unchanged base first): chr3-122284065-TGGTGTTTGA-T. GRCh37 (hg19) VCF-style: chr3-122002912-TGGTGTTTGA-T.
Other names: c.2144_2152del, p.Val715_Glu717del (NM_001178065.2).
Identifiers: ClinVar variation 2939157 (VCV002939157.3), dbSNP rs2473278048, ClinGen allele CA2740094574.
Genomic context (GRCh38, chr3:122,284,065, plus strand): 5'-TTGGCATCAGCTTCGTGCTCTGCATCTCATGCATCCTGGTGAAAACCAACCGTGTCCTCC[TGGTGTTTGA>T]GGCCAAGATCCCCACCAGCTTCCACCGCAAGTGGTGGGGGCTCAACCTGCAGTTCCTGCT-3'

ClinVar aggregate classification (germline): Uncertain significance (1 of 4 stars; one submission).

Conditions:
Familial hypocalciuric hypercalcemia (FHH). Also called: Familial benign hypercalcemia. Identifiers: Orphanet 405, MedGen C1809471, MONDO:0018458.
Autosomal dominant hypocalcemia 1 (HYPOC1). Also called: HYPOCALCEMIA, FAMILIAL. Identifiers: MedGen C3715128, MONDO:0011013, OMIM 601198.

Submission:

Labcorp Genetics (formerly Invitae), Labcorp
Classification: Uncertain significance for Familial hypocalciuric hypercalcemia; Autosomal dominant hypocalcemia 1. Last evaluated: 2023-09-17. Review status: criteria provided, single submitter. Criteria: Invitae Variant Classification Sherloc (09022015). Collection method: clinical testing. Allele origin: germline.
Comment: In summary, the available evidence is currently insufficient to determine the role of this variant in disease. Therefore, it has been classified as a Variant of Uncertain Significance. Experimental studies and prediction algorithms are not available or were not evaluated, and the functional significance of this variant is currently unknown. This variant has not been reported in the literature in individuals affected with CASR-related conditions. This variant is not present in population databases (gnomAD no frequency). This variant, c.2114_2122del, results in the deletion of 3 amino acid(s) of the CASR protein (p.Val705_Glu707del), but otherwise preserves the integrity of the reading frame.